The following is an entry in ClinVar:

NC_000006.12:g.118548219A>G

Genes: PLN (phospholamban; plus strand), CEP85L (centrosomal protein 85L; minus strand). Cytogenetic location: 6q22.31.
Variant type: single nucleotide variant.
Molecular consequence: intron variant (on NM_001042475.3).
Genome position: GRCh38 VCF-style: chr6-118548219-A-G. GRCh37 (hg19) VCF-style: chr6-118869382-A-G.
Other names: -77A-G; c.1029+17310T>C (NM_001178035.2); c.1020+17310T>C (NM_001042475.3, NM_206921.3).
Identifiers: ClinVar variation 29836 (VCV000029836.7), dbSNP rs920627366, ClinGen allele CA146528312.
Genomic context (GRCh38, chr6:118,548,219, plus strand): 5'-CTAAAGTAAGAAGTTCTAAAGTTTGGTTGTGATAAGACTGAGACTGTGGCTAACCAATCG[A>G]AACTTCAGAATTCCTATGTGACATCATAAGACCTCCCTAGAACACTTTTTCTCCTCCACC-3'

ClinVar aggregate classification (germline): Uncertain significance. Review status: criteria provided, single submitter (1 of 4 stars). 2 submissions from 2 submitters: Uncertain significance (1). 1 of the submissions does not count toward it. Last evaluated 2024-05-20.

Conditions:
Dilated cardiomyopathy 1P (CMD1P). Identifiers: Orphanet 154, MedGen C1835928, MONDO:0012362, OMIM 609909.
Hypertrophic cardiomyopathy 18. Identifiers: MedGen C3151265, MONDO:0013475, OMIM 613874.

Allele frequency attached by ClinVar (database versions not stated): TOPMed 0.00001.

Submissions (2):

Labcorp Genetics (formerly Invitae), Labcorp
Classification: Uncertain significance for Dilated cardiomyopathy 1P. Last evaluated: 2024-05-20. Review status: criteria provided, single submitter. Criteria: Invitae Variant Classification Sherloc (09022015). Collection method: clinical testing. Allele origin: germline.
Comment: This variant occurs in a non-coding region of the PLN gene. It does not change the encoded amino acid sequence of the PLN protein. This variant is not present in population databases (gnomAD no frequency). This variant has not been reported in the literature in individuals affected with PLN-related conditions. Experimental studies and prediction algorithms are not available or were not evaluated, and the functional significance of this variant is currently unknown. In summary, the available evidence is currently insufficient to determine the role of this variant in disease. Therefore, it has been classified as a Variant of Uncertain Significance.

OMIM
Classification: Pathogenic for CARDIOMYOPATHY, FAMILIAL HYPERTROPHIC, 18. Last evaluated: 2003-04-25. Review status: no assertion criteria provided. Collection method: literature only. Allele origin: germline. Not counted in ClinVar's aggregate classification.

Literature cited by the submitters: PubMed 12705874 (cited by OMIM).